The following is an entry in ClinVar:

NM_006005.3(WFS1):c.2621C>G (p.Ala874Gly)

Gene: WFS1 (wolframin ER transmembrane glycoprotein; plus strand). Cytogenetic location: 4p16.1.
Variant type: single nucleotide variant.
Coding change: c.2621C>G on transcript NM_006005.3 (MANE Select); coding-DNA position 2621, C replaced by G.
Protein change: p.Ala874Gly; replaces alanine 874 with glycine.
Molecular consequence: missense variant.
Genome position (GRCh38, 1-based): chr4:6,302,416, C>G. VCF-style: chr4-6302416-C-G. GRCh37 (hg19) VCF-style: chr4-6304143-C-G.
Other names: c.2621C>G, p.Ala874Gly (NM_001145853.1); short protein forms A874G.
Identifiers: ClinVar variation 1949326 (VCV001949326.5), dbSNP rs201776585, ClinGen allele CA2839808.
Genomic context (GRCh38, chr4:6,302,416, plus strand): 5'-TCTCACCCACCAGGCGGCACGTGAAGATCGAGCACGACTGGCGCAGCACCGTGCATGGCG[C>G]CGTGAAGTTCGCCTTCGACTTCTTTTTCTTCCCATTCCTGTCGGCGGCCTGAGGATGGTC-3'
Protein context (NP_005996.2, residues 864-884): EHDWRSTVHG[Ala874Gly]VKFAFDFFFF

ClinVar aggregate classification (germline): Uncertain significance (1 of 4 stars; one submission).

Allele frequency attached by ClinVar (database versions not stated): ExAC 0.00002; ESP Exome Variant Server 0.00008.
gnomAD v4.1: 2 of 1,613,226 alleles (0.00012%); highest among the groups gnomAD compares: Non-Finnish European, 0.00017%; no homozygotes.

Submission:

Labcorp Genetics (formerly Invitae), Labcorp
Classification: Uncertain significance. Last evaluated: 2022-09-03. Review status: criteria provided, single submitter. Criteria: Invitae Variant Classification Sherloc (09022015). Collection method: clinical testing. Allele origin: germline.
Comment: In summary, the available evidence is currently insufficient to determine the role of this variant in disease. Therefore, it has been classified as a Variant of Uncertain Significance. Algorithms developed to predict the effect of missense changes on protein structure and function are either unavailable or do not agree on the potential impact of this missense change (SIFT: "Tolerated"; PolyPhen-2: "Possibly Damaging"; Align-GVGD: "Class C0"). This variant has not been reported in the literature in individuals affected with WFS1-related conditions. The frequency data for this variant in the population databases is considered unreliable, as metrics indicate poor data quality at this position in the gnomAD database. This sequence change replaces alanine, which is neutral and non-polar, with glycine, which is neutral and non-polar, at codon 874 of the WFS1 protein (p.Ala874Gly).